The following is an entry in ClinVar:

NM_005120.3(MED12):c.2529G>C (p.Gln843His)

Gene: MED12 (mediator complex subunit 12; plus strand). Cytogenetic location: Xq13.1.
Variant type: single nucleotide variant.
Coding change: c.2529G>C on transcript NM_005120.3 (MANE Select); coding-DNA position 2529, G replaced by C.
Protein change: p.Gln843His; replaces glutamine 843 with histidine.
Molecular consequence: missense variant.
Genome position (GRCh38, 1-based): chrX:71,126,142, G>C. VCF-style: chrX-71126142-G-C. GRCh37 (hg19) VCF-style: chrX-70345992-G-C.
Other names: c.2529G>C (NM_005120.2); short protein forms Q843H.
Identifiers: ClinVar variation 1515631 (VCV001515631.9), dbSNP rs2147795833, ClinGen allele CA413515636.
Genomic context (GRCh38, chrX:71,126,142, plus strand): 5'-CCCCACTGCTGAAGATATCTTTGCTAAGTTCCAGCACCTTTCACATTATGACCAACACCA[G>C]GTCACGGCTCAGGTGTGGGCCTAAGCCCAGCCCCTTTCCCACATTCTGGCCTCCTGTTCT-3'
Protein context (NP_005111.2, residues 833-853): FQHLSHYDQH[Gln843His]VTAQVSRNVL

ClinVar aggregate classification (germline): Uncertain significance. Review status: criteria provided, multiple submitters, no conflicts (2 of 4 stars). 2 submissions from 2 submitters: Uncertain significance (2). Last evaluated 2023-02-13.

Conditions:
MED12-Related Disorders. Also called: MED12-related condition; MED12-related disorder. Identifiers: MedGen CN381102.
FG syndrome (FGS). Identifiers: MedGen C0220769, MONDO:0002010.

gnomAD v4.1: 15 of 1,205,788 alleles (0.0012%); highest among the groups gnomAD compares: Non-Finnish European, 0.0017%; no homozygotes.

Submissions (2):

PreventionGenetics, part of Exact Sciences
Classification: Uncertain significance for MED12-related condition. Last evaluated: 2023-02-13. Review status: criteria provided, single submitter. Criteria: ACMG Guidelines, 2015. Collection method: clinical testing. Allele origin: germline.
Comment: The MED12 c.2529G>C variant is predicted to result in the amino acid substitution p.Gln843His. To our knowledge, this variant has not been reported in the literature or in a large population database, indicating this variant is rare. At this time, the clinical significance of this variant is uncertain due to the absence of conclusive functional and genetic evidence.

Labcorp Genetics (formerly Invitae), Labcorp
Classification: Uncertain significance for FG syndrome. Last evaluated: 2020-12-21. Review status: criteria provided, single submitter. Criteria: Invitae Variant Classification Sherloc (09022015). Collection method: clinical testing. Allele origin: germline.
Comment: This variant has not been reported in the literature in individuals with MED12-related conditions. Algorithms developed to predict the effect of missense changes on protein structure and function are either unavailable or do not agree on the potential impact of this missense change (SIFT: "Deleterious"; PolyPhen-2: "Benign"; Align-GVGD: "Class C15"). In summary, the available evidence is currently insufficient to determine the role of this variant in disease. Therefore, it has been classified as a Variant of Uncertain Significance. This variant is not present in population databases (ExAC no frequency). This sequence change replaces glutamine with histidine at codon 843 of the MED12 protein (p.Gln843His). The glutamine residue is highly conserved and there is a small physicochemical difference between glutamine and histidine.